The following is an entry in ClinVar:

NM_018896.5(CACNA1G):c.6995G>A (p.Arg2332Gln)

Gene: CACNA1G (calcium voltage-gated channel subunit alpha1 G; plus strand). Cytogenetic location: 17q21.33.
Variant type: single nucleotide variant.
Coding change: c.6995G>A on transcript NM_018896.5 (MANE Select); coding-DNA position 6995, G replaced by A.
Protein change: p.Arg2332Gln; replaces arginine 2332 with glutamine.
Molecular consequence: missense variant. On other transcripts: non-coding transcript variant (5).
Genome position (GRCh38, 1-based): chr17:50,626,612, G>A. VCF-style: chr17-50626612-G-A. GRCh37 (hg19) VCF-style: chr17-48703973-G-A.
Other names: c.6995G>A (NM_018896.3); c.6806G>A, p.Arg2269Gln (NM_001256324.2); c.6737G>A, p.Arg2246Gln (NM_001256325.2); c.6725G>A, p.Arg2242Gln (NM_001256326.2); c.6695G>A, p.Arg2232Gln (NM_001256327.2); c.6641G>A, p.Arg2214Gln (NM_001256328.2); c.6614G>A, p.Arg2205Gln (NM_001256329.2, NM_198387.3); c.6581G>A, p.Arg2194Gln (NM_001256330.2); and 19 more; short protein forms R2203Q, R2205Q, R2214Q, R2239Q, R2298Q, R2160Q, R2182Q, R2187Q.
Identifiers: ClinVar variation 663152 (VCV000663152.10), dbSNP rs1180808585, ClinGen allele CA400240546.

ClinVar aggregate classification (germline): Uncertain significance. Review status: criteria provided, multiple submitters, no conflicts (2 of 4 stars). 3 submissions from 3 submitters: Uncertain significance (3). Last evaluated 2024-11-20.

Conditions:
Inborn genetic diseases. Identifiers: MedGen C0950123, MeSH D030342.

Allele frequency attached by ClinVar (database versions not stated): gnomAD exomes 0.00001; TOPMed 0.00002.
gnomAD v4.1: 18 of 1,611,488 alleles (0.0011%); highest among the groups gnomAD compares: Non-Finnish European, 0.0014%; no homozygotes.

Submissions (3):

Ambry Genetics
Classification: Uncertain significance for Inborn genetic diseases. Last evaluated: 2024-11-20. Review status: criteria provided, single submitter. Criteria: Ambry Variant Classification Scheme 2023. Collection method: clinical testing. Allele origin: germline.

Labcorp Genetics (formerly Invitae), Labcorp
Classification: Uncertain significance. Last evaluated: 2018-09-28. Review status: criteria provided, single submitter. Criteria: Invitae Variant Classification Sherloc (09022015). Collection method: clinical testing. Allele origin: germline.
Comment: In summary, the available evidence is currently insufficient to determine the role of this variant in disease. Therefore, it has been classified as a Variant of Uncertain Significance. Algorithms developed to predict the effect of sequence changes on RNA splicing suggest that this variant may create or strengthen a splice site, but this prediction has not been confirmed by published transcriptional studies. Algorithms developed to predict the effect of missense changes on protein structure and function are either unavailable or do not agree on the potential impact of this missense change (SIFT: "Deleterious"; PolyPhen-2: "Probably Damaging"; Align-GVGD: "Class C0"). This variant has not been reported in the literature in individuals with CACNA1G-related disease. This variant is not present in population databases (ExAC no frequency). This sequence change replaces arginine with glutamine at codon 2332 of the CACNA1G protein (p.Arg2332Gln). The arginine residue is highly conserved and there is a small physicochemical difference between arginine and glutamine.

Breakthrough Genomics
Classification: Uncertain significance. Review status: criteria provided, single submitter. Criteria: ACMG Guidelines, 2015. Collection method: not provided. Allele origin: germline. Inheritance: Autosomal dominant inheritance. Affected: yes.